The following is an entry in ClinVar:

ClinVar aggregate classification (germline): Uncertain significance. Review status: criteria provided, multiple submitters, no conflicts (2 of 4 stars). 2 submissions from 2 submitters: Uncertain significance (2). Last evaluated 2021-12-15.

Conditions:
Nephrolithiasis/nephrocalcinosis. Identifiers: MedGen CN580796.
Hereditary cancer-predisposing syndrome. Also called: Hereditary Cancer Syndrome; Hereditary neoplastic syndrome; Neoplastic Syndromes, Hereditary; Tumor predisposition. Identifiers: Orphanet 140162, MedGen C0027672, MeSH D009386, MONDO:0015356.

Allele frequency attached by ClinVar (database versions not stated): gnomAD exomes below 0.00001.
gnomAD v4.1: 1 of 1,614,038 alleles (0.000062%); highest among the groups gnomAD compares: Non-Finnish European, 0.000085%; no homozygotes.

Submissions (2):

Ambry Genetics
Classification: Uncertain significance for Nephrolithiasis/nephrocalcinosis. Last evaluated: 2021-12-15. Review status: criteria provided, single submitter. Criteria: Ambry Variant Classification Scheme 2023. Collection method: clinical testing. Allele origin: germline.
Comment: The p.A600D variant (also known as c.1799C>A), located in coding exon 6 of the CASR gene, results from a C to A substitution at nucleotide position 1799. The alanine at codon 600 is replaced by aspartic acid, an amino acid with dissimilar properties. This amino acid position is conserved. In addition, the in silico prediction for this alteration is inconclusive. Since supporting evidence is limited at this time, the clinical significance of this alteration remains unclear.

Sema4
Classification: Uncertain significance for Hereditary cancer-predisposing syndrome. Last evaluated: 2021-06-01. Review status: criteria provided, single submitter. Criteria: Sema4 Curation Guidelines. Collection method: curation. Allele origin: germline.
Comment: The CASR c.1799C>A (p.A600D) variant has not been reported in the literature to our knowledge. It was not observed in the large and broad cohorts of the Genome Aggregation Database (PMID: 32461654). The variant has not been reported in ClinVar. In silico tools suggest the impact of the variant on protein function is inconclusive, though these predictions have not been confirmed by functional studies. The evidence is insufficient to meet ACMG/AMP criteria for classifying the variant as benign or pathogenic. Thus, the clinical significance of this variant is currently uncertain.

NM_000388.4(CASR):c.1799C>A (p.Ala600Asp)

Gene: CASR (calcium sensing receptor; plus strand). Cytogenetic location: 3q21.1.
Variant type: single nucleotide variant.
Coding change: c.1799C>A on transcript NM_000388.4 (MANE Select); coding-DNA position 1799, C replaced by A.
Protein change: p.Ala600Asp; replaces alanine 600 with aspartic acid.
Molecular consequence: missense variant.
Genome position (GRCh38, 1-based): chr3:122,283,753, C>A. VCF-style: chr3-122283753-C-A. GRCh37 (hg19) VCF-style: chr3-122002600-C-A.
Other names: c.1829C>A, p.Ala610Asp (NM_001178065.2); short protein forms A600D, A610D.
Identifiers: ClinVar variation 1692423 (VCV001692423.3), dbSNP rs943822017, ClinGen allele CA82748543.